The following is an entry in ClinVar:

ClinVar aggregate classification (germline): Likely benign. Review status: criteria provided, multiple submitters, no conflicts (2 of 4 stars). 2 submissions from 2 submitters: Likely benign (2). Last evaluated 2026-01-27.

Allele frequency attached by ClinVar (database versions not stated): 1000 Genomes Project 0.00040; ESP Exome Variant Server 0.00077; gnomAD 0.00092 and 0.00098; TOPMed 0.00096; gnomAD exomes 0.00008 and 0.00018; ExAC 0.00019; 1000 Genomes Project 30x 0.00031.
gnomAD v4.1: 260 of 1,574,110 alleles (0.017%); highest among the groups gnomAD compares: African/African-American, 0.32%; 1 homozygote.

Submissions (2):

Labcorp Genetics (formerly Invitae), Labcorp
Classification: Likely benign. Last evaluated: 2026-01-27. Review status: criteria provided, single submitter. Criteria: Invitae Variant Classification Sherloc (09022015). Collection method: clinical testing. Allele origin: germline.

GeneDx
Classification: Likely benign. Last evaluated: 2021-03-11. Review status: criteria provided, single submitter. Criteria: GeneDx Variant Classification Process June 2021. Collection method: clinical testing. Allele origin: germline. Affected: yes.
Comment: See Variant Classification Assertion Criteria.

NM_001128159.3(VPS53):c.189A>G (p.Glu63=)

Gene: VPS53 (VPS53 subunit of GARP complex; minus strand). Cytogenetic location: 17p13.3.
Variant type: single nucleotide variant.
Coding change: c.189A>G on transcript NM_001128159.3 (MANE Select); coding-DNA position 189, A replaced by G.
Protein change: p.Glu63=; no amino-acid change (glutamic acid 63 retained).
Molecular consequence: synonymous variant. On other transcripts: 5 prime UTR variant (1).
Genome position (GRCh38, 1-based): chr17:699,360, T>C on the plus strand (A>G on the coding strand, the complement: VPS53 is on the minus strand). VCF-style: chr17-699360-T-C. GRCh37 (hg19) VCF-style: chr17-602600-T-C.
Other names: c.189A>G, p.Glu63= (NM_001366253.2, NM_018289.4); c.-504A>G (NM_001366254.2).
Identifiers: ClinVar variation 738803 (VCV000738803.8), dbSNP rs115321348, ClinGen allele CA8261834.